The following is an entry in ClinVar:

ClinVar aggregate classification (germline): Uncertain significance. Review status: criteria provided, multiple submitters, no conflicts (2 of 4 stars). 2 submissions from 2 submitters: Uncertain significance (2). Last evaluated 2025-06-20.

Conditions:
RYR1-related disorder. Also called: RYR1-related condition; RYR1-related disorders. Identifiers: MedGen CN239331.

gnomAD v4.1: 1 of 1,614,112 alleles (0.000062%); highest among the groups gnomAD compares: Admixed American, 0.0017%; no homozygotes.

Submissions (2):

GeneDx
Classification: Uncertain significance. Last evaluated: 2025-06-20. Review status: criteria provided, single submitter. Criteria: GeneDx Variant Classification Process June 2021. Collection method: clinical testing. Allele origin: germline. Affected: yes.
Comment: Not observed at significant frequency in large population cohorts (gnomAD); In silico analysis supports that this missense variant has a deleterious effect on protein structure/function; Has not been previously published as pathogenic or benign to our knowledge

Labcorp Genetics (formerly Invitae), Labcorp
Classification: Uncertain significance for RYR1-related disorder. Last evaluated: 2025-02-25. Review status: criteria provided, single submitter. Criteria: Invitae Variant Classification Sherloc (09022015). Collection method: clinical testing. Allele origin: germline.
Comment: This sequence change replaces arginine, which is basic and polar, with tryptophan, which is neutral and slightly polar, at codon 3364 of the RYR1 protein (p.Arg3364Trp). This variant is not present in population databases (gnomAD no frequency). This variant has not been reported in the literature in individuals affected with RYR1-related conditions. Invitae Evidence Modeling of protein sequence and biophysical properties (such as structural, functional, and spatial information, amino acid conservation, physicochemical variation, residue mobility, and thermodynamic stability) has been performed for this missense variant. However, the output from this modeling did not meet the statistical confidence thresholds required to predict the impact of this variant on RYR1 protein function. In summary, the available evidence is currently insufficient to determine the role of this variant in disease. Therefore, it has been classified as a Variant of Uncertain Significance.

NM_000540.3(RYR1):c.10090C>T (p.Arg3364Trp)

Gene: RYR1 (ryanodine receptor 1; plus strand). Cytogenetic location: 19q13.2.
Variant type: single nucleotide variant.
Coding change: c.10090C>T on transcript NM_000540.3 (MANE Select); coding-DNA position 10090, C replaced by T.
Protein change: p.Arg3364Trp; replaces arginine 3364 with tryptophan.
Molecular consequence: missense variant.
Genome position (GRCh38, 1-based): chr19:38,519,285, C>T. VCF-style: chr19-38519285-C-T. GRCh37 (hg19) VCF-style: chr19-39009925-C-T.
Other names: c.10090C>T, p.Arg3364Trp (NM_001042723.2); short protein forms R3364W.
Identifiers: ClinVar variation 3650770 (VCV003650770.3).